The following is an entry in ClinVar:

NM_001365276.2(TNXB):c.2191G>T (p.Asp731Tyr)

Gene: TNXB (tenascin XB; minus strand). Cytogenetic location: 6p21.33.
Variant type: single nucleotide variant.
Coding change: c.2191G>T on transcript NM_001365276.2 (MANE Select); coding-DNA position 2191, G replaced by T.
Protein change: p.Asp731Tyr; replaces aspartic acid 731 with tyrosine.
Molecular consequence: missense variant.
Genome position (GRCh38, 1-based): chr6:32,095,662, C>A on the plus strand (G>T on the coding strand, the complement: TNXB is on the minus strand). VCF-style: chr6-32095662-C-A. GRCh37 (hg19) VCF-style: chr6-32063439-C-A.
Other names: c.2191G>T, p.Asp731Tyr (NM_019105.8); short protein forms D731Y.
Identifiers: ClinVar variation 3327893 (VCV003327893.1).

ClinVar aggregate classification (germline): Uncertain significance (1 of 4 stars; one submission).

Conditions:
Cardiovascular phenotype. Identifiers: MedGen CN230736.

gnomAD v4.1: 1 of 1,614,018 alleles (0.000062%); highest among the groups gnomAD compares: South Asian, 0.0011%; no homozygotes.

Submission:

Ambry Genetics
Classification: Uncertain significance for Cardiovascular phenotype. Last evaluated: 2024-04-20. Review status: criteria provided, single submitter. Criteria: Ambry Variant Classification Scheme 2023. Collection method: clinical testing. Allele origin: germline.
Comment: The p.D731Y variant (also known as c.2191G>T), located in coding exon 2 of the TNXB gene, results from a G to T substitution at nucleotide position 2191. The aspartic acid at codon 731 is replaced by tyrosine, an amino acid with highly dissimilar properties. This amino acid position is conserved. In addition, this alteration is predicted to be tolerated by in silico analysis. Based on the available evidence, the clinical significance of this variant remains unclear.